The following is an entry in ClinVar:

NM_174878.3(CLRN1):c.83T>C (p.Leu28Ser)

Gene: CLRN1 (clarin 1; minus strand). Cytogenetic location: 3q25.1.
Variant type: single nucleotide variant.
Coding change: c.83T>C on transcript NM_174878.3 (MANE Select); coding-DNA position 83, T replaced by C.
Protein change: p.Leu28Ser; replaces leucine 28 with serine.
Molecular consequence: missense variant. On other transcripts: non-coding transcript variant (1).
Genome position (GRCh38, 1-based): chr3:150,972,626, A>G on the plus strand (T>C on the coding strand, the complement: CLRN1 is on the minus strand). VCF-style: chr3-150972626-A-G. GRCh37 (hg19) VCF-style: chr3-150690413-A-G.
Other names: c.83T>C, p.Leu28Ser (NM_001195794.1, NM_001256819.2); short protein forms L28S.
Identifiers: ClinVar variation 1465993 (VCV001465993.5), dbSNP rs367559197, ClinGen allele CA355012088.
Genomic context (GRCh38, chr3:150,972,626, plus strand): 5'-TTGACGAGCAGAGCTCCCGTTTTGCAGAGGACAGTGGCTTTGATCCACAACGGTGTCCCC[A>G]AGGCTGTCACAACTCCGAGGGCACATGCAAAACTGAACACTCCGGCCATGCAAAAAATGA-3'
Protein context (NP_777367.1, residues 18-38): FACALGVVTA[Leu28Ser]GTPLWIKATV

ClinVar aggregate classification (germline): Uncertain significance (1 of 4 stars; one submission).

gnomAD v4.1: 3 of 1,614,238 alleles (0.00019%); highest among the groups gnomAD compares: East Asian, 0.0022%; no homozygotes.

Submission:

Labcorp Genetics (formerly Invitae), Labcorp
Classification: Uncertain significance. Last evaluated: 2021-09-17. Review status: criteria provided, single submitter. Criteria: Invitae Variant Classification Sherloc (09022015). Collection method: clinical testing. Allele origin: germline.
Comment: This sequence change replaces leucine with serine at codon 28 of the CLRN1 protein (p.Leu28Ser). The leucine residue is moderately conserved and there is a large physicochemical difference between leucine and serine. This variant is not present in population databases (ExAC no frequency). This variant has not been reported in the literature in individuals affected with CLRN1-related conditions. Algorithms developed to predict the effect of missense changes on protein structure and function are either unavailable or do not agree on the potential impact of this missense change (SIFT: "Deleterious"; PolyPhen-2: "Possibly Damaging"; Align-GVGD: "Class C0"). In summary, the available evidence is currently insufficient to determine the role of this variant in disease. Therefore, it has been classified as a Variant of Uncertain Significance.